The following is an entry in ClinVar:

ClinVar aggregate classification (germline): Uncertain significance (1 of 4 stars; one submission).

Conditions:
Hereditary breast ovarian cancer syndrome. Also called: BRCA1- and BRCA2-Associated Hereditary Breast and Ovarian Cancer; Breast and ovarian cancer; Hereditary breast and ovarian cancer syndrome; Hereditary breast and ovarian cancer syndrome (HBOC); Hereditary breast and/or ovarian cancer syndrome; Hereditary breast and ovarian cancer. Identifiers: Orphanet 145, MedGen C0677776, MeSH D061325, MONDO:0003582. Disease mechanism: loss of function.

Submission:

Labcorp Genetics (formerly Invitae), Labcorp
Classification: Uncertain significance for Hereditary breast ovarian cancer syndrome. Last evaluated: 2025-04-08. Review status: criteria provided, single submitter. Criteria: Invitae Variant Classification Sherloc (09022015). Collection method: clinical testing. Allele origin: germline.
Comment: This sequence change replaces glycine, which is neutral and non-polar, with serine, which is neutral and polar, at codon 2313 of the BRCA2 protein (p.Gly2313Ser). This variant also falls at the last nucleotide of exon 12, which is part of the consensus splice site for this exon. This variant is not present in population databases (gnomAD no frequency). This variant has not been reported in the literature in individuals affected with BRCA2-related conditions. An algorithm developed to predict the effect of missense changes on protein structure and function (PolyPhen-2) suggests that this variant is likely to be disruptive. Variants that disrupt the consensus splice site are a relatively common cause of aberrant splicing (PMID: 17576681, 9536098). Algorithms developed to predict the effect of sequence changes on RNA splicing suggest that this variant may disrupt the consensus splice site. In summary, the available evidence is currently insufficient to determine the role of this variant in disease. Therefore, it has been classified as a Variant of Uncertain Significance.

Literature cited by the submitters: PubMed 17576681; PubMed 9536098.

NM_000059.4(BRCA2):c.6937G>A (p.Gly2313Ser)

Gene: BRCA2 (BRCA2 DNA repair associated; plus strand). Cytogenetic location: 13q13.1.
Variant type: single nucleotide variant.
Coding change: c.6937G>A on transcript NM_000059.4 (MANE Select); coding-DNA position 6937, G replaced by A.
Protein change: p.Gly2313Ser; replaces glycine 2313 with serine.
Molecular consequence: missense variant. On other transcripts: non-coding transcript variant (1), intron variant (1).
Genome position (GRCh38, 1-based): chr13:32,344,653, G>A. VCF-style: chr13-32344653-G-A. GRCh37 (hg19) VCF-style: chr13-32918790-G-A.
Other names: c.6937G>A, p.Gly2313Ser (NM_001406720.1, NM_001432077.1); c.2005G>A, p.Gly669Ser (NM_001406721.1); c.520G>A, p.Gly174Ser (NM_001406722.1); c.6842-2174G>A (NM_001406719.1); short protein forms G174S, G669S, G2313S.
Identifiers: ClinVar variation 4716861 (VCV004716861.1).
Genomic context (GRCh38, chr13:32,344,653, plus strand): 5'-TTTGACAGGATAATAGAAAATCAAGAAAAATCCTTAAAGGCTTCAAAAAGCACTCCAGAT[G>A]GTAAAATTAGCTTTTTATTTATATCTGTTCTCCCTCTATAGGTATGGTATATAATATTCT-3'
Protein context (NP_000050.3, residues 2303-2323): SLKASKSTPD[Gly2313Ser]TIKDRRLFMH